The following is an entry in ClinVar:

ClinVar aggregate classification (germline): Uncertain significance (1 of 4 stars; one submission).

Conditions:
Hereditary cancer-predisposing syndrome. Also called: Hereditary neoplastic syndrome; Neoplastic Syndromes, Hereditary; Tumor predisposition; Hereditary Cancer Syndrome. Identifiers: Orphanet 140162, MedGen C0027672, MeSH D009386, MONDO:0015356.

Submission:

Ambry Genetics
Classification: Uncertain significance for Hereditary cancer-predisposing syndrome. Last evaluated: 2025-08-27. Review status: criteria provided, single submitter. Criteria: Ambry Variant Classification Scheme 2023. Collection method: clinical testing. Allele origin: germline.
Comment: The p.I537S variant (also known as c.1610T>G), located in coding exon 16 of the MUTYH gene, results from a T to G substitution at nucleotide position 1610. The isoleucine at codon 537 is replaced by serine, an amino acid with dissimilar properties. This amino acid position is conserved. In addition, this alteration is predicted to be tolerated by in silico analysis. Based on the available evidence, the clinical significance of this variant remains unclear.

NM_001048174.2(MUTYH):c.1526T>G (p.Ile509Ser)

Gene: MUTYH (mutY DNA glycosylase; minus strand). Cytogenetic location: 1p34.1.
Variant type: single nucleotide variant.
Coding change: c.1526T>G on transcript NM_001048174.2 (MANE Select); coding-DNA position 1526, T replaced by G.
Protein change: p.Ile509Ser; replaces isoleucine 509 with serine.
Molecular consequence: missense variant. On other transcripts: non-coding transcript variant (7).
Genome position (GRCh38, 1-based): chr1:45,329,346, A>C on the plus strand (T>G on the coding strand, the complement: MUTYH is on the minus strand). VCF-style: chr1-45329346-A-C. GRCh37 (hg19) VCF-style: chr1-45795018-A-C.
Other names: c.1526T>G, p.Ile509Ser (NM_001407081.1, NM_001293195.2, NM_001407088.1 and 6 more transcripts); c.1181T>G, p.Ile394Ser (NM_001407082.1, NM_001350650.2, NM_001350651.2); c.1568T>G, p.Ile523Ser (NM_001407083.1, NM_001407085.1); c.1529T>G, p.Ile510Ser (NM_001407086.1, NM_001048172.2, NM_001407071.1 and 1 more transcripts); c.1610T>G, p.Ile537Ser (NM_001128425.2); c.1571T>G, p.Ile524Ser (NM_001293190.2); c.1559T>G, p.Ile520Ser (NM_001293191.2, NM_001407069.1, NM_001407077.1); c.1250T>G, p.Ile417Ser (NM_001293192.2, NM_001293196.2, NM_001407091.1); and 5 more; short protein forms I495S, I509S, I510S, I537S, I516S, I524S, I394S, I496S.
Identifiers: ClinVar variation 4113438 (VCV004113438.1).